The following is an entry in ClinVar:

ClinVar aggregate classification (germline): Uncertain significance. Review status: criteria provided, multiple submitters, no conflicts (2 of 4 stars). 2 submissions from 2 submitters: Uncertain significance (2). Last evaluated 2025-03-17.

Conditions:
Emery-Dreifuss muscular dystrophy 5, autosomal dominant (EDMD5). Also called: EMERY-DREIFUSS MUSCULAR DYSTROPHY 5. Identifiers: Orphanet 261, MedGen C2751805, MONDO:0013072, OMIM 612999.

Allele frequency attached by ClinVar (database versions not stated): gnomAD 0.00001; gnomAD exomes 0.00001; ExAC 0.00002; TOPMed 0.00002.
gnomAD v4.1: 12 of 1,613,992 alleles (0.00074%); highest among the groups gnomAD compares: Non-Finnish European, 0.001%; no homozygotes.

Submissions (2):

Labcorp Genetics (formerly Invitae), Labcorp
Classification: Uncertain significance for Emery-Dreifuss muscular dystrophy 5, autosomal dominant. Last evaluated: 2025-03-17. Review status: criteria provided, single submitter. Criteria: Invitae Variant Classification Sherloc (09022015). Collection method: clinical testing. Allele origin: germline.
Comment: This sequence change replaces serine, which is neutral and polar, with leucine, which is neutral and non-polar, at codon 43 of the SYNE2 protein (p.Ser43Leu). This variant is present in population databases (rs754783984, gnomAD 0.003%). This variant has not been reported in the literature in individuals affected with SYNE2-related conditions. ClinVar contains an entry for this variant (Variation ID: 565720). An algorithm developed to predict the effect of missense changes on protein structure and function (PolyPhen-2) suggests that this variant is likely to be tolerated. In summary, the available evidence is currently insufficient to determine the role of this variant in disease. Therefore, it has been classified as a Variant of Uncertain Significance.

Ambry Genetics
Classification: Uncertain significance. Last evaluated: 2023-12-15. Review status: criteria provided, single submitter. Criteria: Ambry Variant Classification Scheme 2023. Collection method: clinical testing. Allele origin: germline.

NM_182914.3(SYNE2):c.128C>T (p.Ser43Leu)

Gene: SYNE2 (spectrin repeat containing nuclear envelope protein 2; plus strand). Cytogenetic location: 14q23.2.
Variant type: single nucleotide variant.
Coding change: c.128C>T on transcript NM_182914.3 (MANE Select); coding-DNA position 128, C replaced by T.
Protein change: p.Ser43Leu; replaces serine 43 with leucine.
Molecular consequence: missense variant.
Genome position (GRCh38, 1-based): chr14:63,940,662, C>T. VCF-style: chr14-63940662-C-T. GRCh37 (hg19) VCF-style: chr14-64407380-C-T.
Other names: c.128C>T, p.Ser43Leu (NM_015180.6); short protein forms S43L.
Identifiers: ClinVar variation 565720 (VCV000565720.10), dbSNP rs754783984, ClinGen allele CA7219011.